The following is an entry in ClinVar:

NM_001370259.2(MEN1):c.1163A>G (p.Glu388Gly)

Gene: MEN1 (menin 1; minus strand). Cytogenetic location: 11q13.1.
Variant type: single nucleotide variant.
Coding change: c.1163A>G on transcript NM_001370259.2 (MANE Select); coding-DNA position 1163, A replaced by G.
Protein change: p.Glu388Gly; replaces glutamic acid 388 with glycine.
Molecular consequence: missense variant.
Genome position (GRCh38, 1-based): chr11:64,805,657, T>C on the plus strand (A>G on the coding strand, the complement: MEN1 is on the minus strand). VCF-style: chr11-64805657-T-C. GRCh37 (hg19) VCF-style: chr11-64573129-T-C.
Other names: c.1178A>G, p.Glu393Gly (NM_000244.4, NM_130800.3, NM_130801.3 and 4 more transcripts); c.1289A>G, p.Glu430Gly (NM_001370251.2, NM_001407142.1, NM_001407143.1 and 1 more transcripts); c.1163A>G, p.Glu388Gly (NM_001370260.2, NM_001370261.2, NM_001407146.1 and 3 more transcripts); c.1058A>G, p.Glu353Gly (NM_001370262.2, NM_001370263.2, NM_001407148.1 and 1 more transcripts); c.1304A>G, p.Glu435Gly (NM_001407150.1); c.1184A>G, p.Glu395Gly (NM_001407151.1); short protein forms E388G, E393G, E435G, E353G, E395G, E430G.
Identifiers: ClinVar variation 1737468 (VCV001737468.8), dbSNP rs1941664420, ClinGen allele CA381182127.
Genomic context (GRCh38, chr11:64,805,657, plus strand): 5'-TGGGAGGCTGGACACAGGCTGGAGCTCCAGCCTTTCACCTGGCTTTGCTCCCCCGGCCGC[T>C]CCTCGCCCGCCTCCAGCAAGCTGGCTGCCTCCTTCAGCAGGTTGGGGATGACATCATTGG-3'
Protein context (NP_001357188.2, residues 378-398): EAASLLEAGE[Glu388Gly]RPGEQSQGTQ

ClinVar aggregate classification (germline): Uncertain significance. Review status: criteria provided, multiple submitters, no conflicts (2 of 4 stars). 3 submissions from 3 submitters: Uncertain significance (3). Last evaluated 2023-12-14.

Conditions:
Hereditary cancer-predisposing syndrome. Also called: Neoplastic Syndromes, Hereditary; Tumor predisposition; Hereditary Cancer Syndrome; Hereditary neoplastic syndrome. Identifiers: Orphanet 140162, MedGen C0027672, MeSH D009386, MONDO:0015356.
Multiple endocrine neoplasia, type 1 (MEN1). Also called: MEA I; MEN I; WERMER SYNDROME; Endocrine adenomatosis multiple; MEN 1. Identifiers: Orphanet 652, MedGen C0025267, MeSH D018761, MONDO:0007540, OMIM 131100.

Allele frequency attached by ClinVar (database versions not stated): TOPMed below 0.00001.

Submissions (3):

Baylor Genetics
Classification: Uncertain significance for Multiple Endocrine Neoplasia Type 1. Last evaluated: 2023-12-14. Review status: criteria provided, single submitter. Criteria: ACMG Guidelines, 2015. Collection method: clinical testing. Allele origin: unknown.

Labcorp Genetics (formerly Invitae), Labcorp
Classification: Uncertain significance for Multiple endocrine neoplasia, type 1. Last evaluated: 2023-11-27. Review status: criteria provided, single submitter. Criteria: Invitae Variant Classification Sherloc (09022015). Collection method: clinical testing. Allele origin: germline.
Comment: This sequence change replaces glutamic acid, which is acidic and polar, with glycine, which is neutral and non-polar, at codon 388 of the MEN1 protein (p.Glu388Gly). This variant is not present in population databases (gnomAD no frequency). This variant has not been reported in the literature in individuals affected with MEN1-related conditions. ClinVar contains an entry for this variant (Variation ID: 1737468). Advanced modeling of protein sequence and biophysical properties (such as structural, functional, and spatial information, amino acid conservation, physicochemical variation, residue mobility, and thermodynamic stability) performed at Invitae indicates that this missense variant is expected to disrupt MEN1 protein function with a positive predictive value of 80%. Algorithms developed to predict the effect of sequence changes on RNA splicing suggest that this variant may disrupt the consensus splice site. In summary, the available evidence is currently insufficient to determine the role of this variant in disease. Therefore, it has been classified as a Variant of Uncertain Significance.

Ambry Genetics
Classification: Uncertain significance for Hereditary cancer-predisposing syndrome. Last evaluated: 2021-10-26. Review status: criteria provided, single submitter. Criteria: Ambry Variant Classification Scheme 2023. Collection method: clinical testing. Allele origin: germline.
Comment: The p.E388G variant (also known as c.1163A>G), located in coding exon 7 of the MEN1 gene, results from an A to G substitution at nucleotide position 1163. The glutamic acid at codon 388 is replaced by glycine, an amino acid with similar properties. This amino acid position is highly conserved in available vertebrate species. In addition, the in silico prediction for this alteration is inconclusive. Since supporting evidence is limited at this time, the clinical significance of this alteration remains unclear.